The following is an entry in ClinVar:

ClinVar aggregate classification (germline): Uncertain significance (1 of 4 stars; one submission).

Conditions:
Phenylketonuria (PKU). Also called: FOLLING DISEASE; OLIGOPHRENIA PHENYLPYRUVICA; Phenylketonurias; Phenylketonuria (PKU). Identifiers: Orphanet 716, MedGen C0031485, MONDO:0009861, OMIM 261600. Disease mechanism: loss of function.

Submission:

Myriad Genetics, Inc.
Classification: Uncertain significance for Phenylketonuria. Last evaluated: 2025-11-07. Review status: criteria provided, single submitter. Criteria: Myriad Autosomal Dominant, Autosomal Recessive and X-Linked Classification Criteria (2023). Collection method: clinical testing. Allele origin: unknown.
Comment: NM_000277.1(PAH):c.310G>T(A104S) is a missense variant classified as a variant of uncertain significance in the context of phenylalanine hydroxylase deficiency. A104S has been observed in a case with relevant disease (PMID: 30838026). Relevant functional assessments of this variant are not available in the literature. A104S has not been observed in referenced population frequency databases. In summary, there is insufficient evidence to classify NM_000277.1(PAH):c.310G>T(A104S) as pathogenic or benign. Please note: this variant was assessed in the context of healthy population screening.

Literature cited by the submitters: PubMed 30838026.

NM_000277.3(PAH):c.310G>T (p.Ala104Ser)

Gene: PAH (phenylalanine hydroxylase; minus strand). Cytogenetic location: 12q23.2.
Variant type: single nucleotide variant.
Coding change: c.310G>T on transcript NM_000277.3 (MANE Select); coding-DNA position 310, G replaced by T.
Protein change: p.Ala104Ser; replaces alanine 104 with serine.
Molecular consequence: missense variant.
Genome position (GRCh38, 1-based): chr12:102,894,777, C>A on the plus strand (G>T on the coding strand, the complement: PAH is on the minus strand). VCF-style: chr12-102894777-C-A. GRCh37 (hg19) VCF-style: chr12-103288555-C-A.
Other names: c.310G>T, p.Ala104Ser (NM_001354304.2); short protein forms A104S.
Identifiers: ClinVar variation 5003736 (VCV005003736.1).
Genomic context (GRCh38, chr12:102,894,777, plus strand): 5'-AATTCCTCTAATTCTTACCTGTGTCTTTCTTCTTATCTCGTGAAAGCTCATGGACAGTGG[C>A]ACCAATGTCATGCCTCAAGATCTTGATGATGTTTGTCAGAGCAGGCAGGCTACGTTTATC-3'
Protein context (NP_000268.1, residues 94-114): IIKILRHDIG[Ala104Ser]TVHELSRDKK